The following is an entry in ClinVar:

ClinVar aggregate classification (germline): Uncertain significance (1 of 4 stars; one submission).

Submission:

GeneDx
Classification: Uncertain significance. Last evaluated: 2026-03-31. Review status: criteria provided, single submitter. Criteria: GeneDx Variant Classification Process June 2021. Collection method: clinical testing. Allele origin: germline.
Comment: Not observed at significant frequency in large population cohorts (gnomAD); In silico analysis supports that this missense variant has a deleterious effect on protein structure/function; Has not been previously published as pathogenic or benign to our knowledge

NM_022575.4(VPS16):c.1222T>C (p.Cys408Arg)

Gene: VPS16 (VPS16 core subunit of CORVET and HOPS complexes; plus strand). Cytogenetic location: 20p13.
Variant type: single nucleotide variant.
Coding change: c.1222T>C on transcript NM_022575.4 (MANE Select); coding-DNA position 1222, T replaced by C.
Protein change: p.Cys408Arg; replaces cysteine 408 with arginine.
Molecular consequence: missense variant. On other transcripts: intron variant (1).
Genome position (GRCh38, 1-based): chr20:2,862,825, T>C. VCF-style: chr20-2862825-T-C. GRCh37 (hg19) VCF-style: chr20-2843471-T-C.
Other names: c.900-240T>C (NM_080413.3); short protein forms C408R.
Identifiers: ClinVar variation 5017893 (VCV005017893.1).
Genomic context (GRCh38, chr20:2,862,825, plus strand): 5'-CAGCAGGGAAGCTCTCTCCTATCGCCCTCTGGCTCTTCTCAGGCCGCCTCCTTCGGAAAG[T>C]GTTTCCTGGACAGATTTCCACCCGACAGCTTCGTGCACATGTGTCAGGACCTGCGTGTGC-3'
Protein context (NP_072097.2, residues 398-418): SLLRAASFGK[Cys408Arg]FLDRFPPDSF